The following is an entry in ClinVar:

NM_000051.4(ATM):c.3815C>A (p.Ala1272Asp)

Gene: ATM (ATM serine/threonine kinase; plus strand). Cytogenetic location: 11q22.3.
Variant type: single nucleotide variant.
Coding change: c.3815C>A on transcript NM_000051.4 (MANE Select); coding-DNA position 3815, C replaced by A.
Protein change: p.Ala1272Asp; replaces alanine 1272 with aspartic acid.
Molecular consequence: missense variant.
Genome position (GRCh38, 1-based): chr11:108,284,295, C>A. VCF-style: chr11-108284295-C-A. GRCh37 (hg19) VCF-style: chr11-108155022-C-A.
Other names: c.3815C>A, p.Ala1272Asp (NM_001351834.2); short protein forms A1272D.
Identifiers: ClinVar variation 850417 (VCV000850417.10), dbSNP rs2082377659, ClinGen allele CA382524840.

ClinVar aggregate classification (germline): Uncertain significance. Review status: criteria provided, multiple submitters, no conflicts (2 of 4 stars). 2 submissions from 2 submitters: Uncertain significance (2). Last evaluated 2026-04-03.

Conditions:
Hereditary cancer-predisposing syndrome. Also called: Tumor predisposition; Neoplastic Syndromes, Hereditary; Hereditary neoplastic syndrome; Hereditary Cancer Syndrome. Identifiers: Orphanet 140162, MedGen C0027672, MeSH D009386, MONDO:0015356.
Ataxia-telangiectasia syndrome (AT). Also called: ATAXIA-TELANGIECTASIA, FRESNO VARIANT; Ataxia telangiectasia (A-T); LOUIS-BAR SYNDROME; Ataxia-telangiectasia, complementation group D; AT, COMPLEMENTATION GROUP C; ATAXIA-TELANGIECTASIA, COMPLEMENTATION GROUP A. Identifiers: Orphanet 100, MedGen C0004135, MONDO:0008840, OMIM 208900.

Submissions (2):

Ambry Genetics
Classification: Uncertain significance for Hereditary cancer-predisposing syndrome. Last evaluated: 2026-04-03. Review status: criteria provided, single submitter. Criteria: Ambry Variant Classification Scheme 2023. Collection method: clinical testing. Allele origin: germline.
Comment: The p.A1272D variant (also known as c.3815C>A), located in coding exon 25 of the ATM gene, results from a C to A substitution at nucleotide position 3815. The alanine at codon 1272 is replaced by aspartic acid, an amino acid with dissimilar properties. In an assay testing ATM function, this variant showed a functionally normal result (Lee KS et al. Cell, 2025 Sep;188:5081-5099.e27). This amino acid position is well conserved in available vertebrate species. In addition, the in silico prediction for this alteration is inconclusive. Based on the available evidence, the clinical significance of this variant remains unclear.

Labcorp Genetics (formerly Invitae), Labcorp
Classification: Uncertain significance for Ataxia-telangiectasia syndrome. Last evaluated: 2020-03-31. Review status: criteria provided, single submitter. Criteria: Invitae Variant Classification Sherloc (09022015). Collection method: clinical testing. Allele origin: germline.
Comment: In summary, the available evidence is currently insufficient to determine the role of this variant in disease. Therefore, it has been classified as a Variant of Uncertain Significance. Algorithms developed to predict the effect of missense changes on protein structure and function are either unavailable or do not agree on the potential impact of this missense change (SIFT: "Deleterious"; PolyPhen-2: "Possibly Damaging"; Align-GVGD: "Class C15"). This variant has not been reported in the literature in individuals with ATM-related conditions. This variant is not present in population databases (ExAC no frequency). This sequence change replaces alanine with aspartic acid at codon 1272 of the ATM protein (p.Ala1272Asp). The alanine residue is highly conserved and there is a moderate physicochemical difference between alanine and aspartic acid.

Literature cited by the submitters: PubMed 40580951 (cited by Ambry Genetics).